The following is an entry in ClinVar:

ClinVar aggregate classification (germline): Uncertain significance (1 of 4 stars; one submission).

Conditions:
Distal hereditary motor neuropathy type 2. Identifiers: Orphanet 139525, MedGen C3711384, MeSH C580044, MONDO:0015352.

Allele frequency attached by ClinVar (database versions not stated): gnomAD exomes below 0.00001 and 0.00001; TOPMed below 0.00001; gnomAD 0.00001.
gnomAD v4.1: 11 of 1,608,410 alleles (0.00068%); highest among the groups gnomAD compares: Non-Finnish European, 0.00093%; no homozygotes.

Submission:

Labcorp Genetics (formerly Invitae), Labcorp
Classification: Uncertain significance for Distal hereditary motor neuropathy type 2. Last evaluated: 2019-04-19. Review status: criteria provided, single submitter. Criteria: Invitae Variant Classification Sherloc (09022015). Collection method: clinical testing. Allele origin: germline.
Comment: Algorithms developed to predict the effect of missense changes on protein structure and function are either unavailable or do not agree on the potential impact of this missense change (SIFT: "Deleterious"; PolyPhen-2: "Benign"; Align-GVGD: "Class C0"). This variant has not been reported in the literature in individuals with FBXO38-related conditions. This variant is not present in population databases (ExAC no frequency). This sequence change replaces isoleucine with valine at codon 232 of the FBXO38 protein (p.Ile232Val). The isoleucine residue is highly conserved and there is a small physicochemical difference between isoleucine and valine. In summary, the available evidence is currently insufficient to determine the role of this variant in disease. Therefore, it has been classified as a Variant of Uncertain Significance.

NM_205836.3(FBXO38):c.694A>G (p.Ile232Val)

Gene: FBXO38 (F-box protein 38; plus strand). Cytogenetic location: 5q32.
Variant type: single nucleotide variant.
Coding change: c.694A>G on transcript NM_205836.3 (MANE Select); coding-DNA position 694, A replaced by G.
Protein change: p.Ile232Val; replaces isoleucine 232 with valine.
Molecular consequence: missense variant.
Genome position (GRCh38, 1-based): chr5:148,404,786, A>G. VCF-style: chr5-148404786-A-G. GRCh37 (hg19) VCF-style: chr5-147784349-A-G.
Other names: c.694A>G, p.Ile232Val (NM_001271723.2, NM_030793.5); short protein forms I232V.
Identifiers: ClinVar variation 944743 (VCV000944743.11), dbSNP rs1453234833, ClinGen allele CA361656017.